The following is an entry in ClinVar:

ClinVar aggregate classification (germline): Uncertain significance (1 of 4 stars; one submission).

Conditions:
Hereditary spastic paraplegia 8 (SPG8). Also called: SPASTIC PARAPLEGIA 8, AUTOSOMAL DOMINANT. Identifiers: Orphanet 100989, MedGen C1863704, MONDO:0011339, OMIM 603563.
Ritscher-Schinzel syndrome. Also called: CRANIOCEREBELLOCARDIAC DYSPLASIA. Identifiers: Orphanet 7, MedGen C0796137, MONDO:0019078.

Allele frequency attached by ClinVar (database versions not stated): gnomAD 0.00002 and 0.00003; gnomAD exomes 0.00001 and 0.00002; TOPMed 0.00001; ExAC 0.00002.

Submission:

Labcorp Genetics (formerly Invitae), Labcorp
Classification: Uncertain significance for Ritscher-Schinzel syndrome; Hereditary spastic paraplegia 8. Last evaluated: 2021-07-13. Review status: criteria provided, single submitter. Criteria: Invitae Variant Classification Sherloc (09022015). Collection method: clinical testing. Allele origin: germline.
Comment: This sequence change replaces arginine with tryptophan at codon 404 of the WASHC5 protein (p.Arg404Trp). The arginine residue is moderately conserved and there is a moderate physicochemical difference between arginine and tryptophan. This variant is present in population databases (rs758878691, ExAC 0.01%). This variant has not been reported in the literature in individuals affected with WASHC5-related conditions. Algorithms developed to predict the effect of missense changes on protein structure and function are either unavailable or do not agree on the potential impact of this missense change (SIFT: "Deleterious"; PolyPhen-2: "Possibly Damaging"; Align-GVGD: "Class C0"). In summary, the available evidence is currently insufficient to determine the role of this variant in disease. Therefore, it has been classified as a Variant of Uncertain Significance.

NM_014846.4(WASHC5):c.1210C>T (p.Arg404Trp)

Gene: WASHC5 (WASH complex subunit 5; minus strand). Cytogenetic location: 8q24.13.
Variant type: single nucleotide variant.
Coding change: c.1210C>T on transcript NM_014846.4 (MANE Select); coding-DNA position 1210, C replaced by T.
Protein change: p.Arg404Trp; replaces arginine 404 with tryptophan.
Molecular consequence: missense variant.
Genome position (GRCh38, 1-based): chr8:125,067,660, G>A on the plus strand (C>T on the coding strand, the complement: WASHC5 is on the minus strand). VCF-style: chr8-125067660-G-A. GRCh37 (hg19) VCF-style: chr8-126079902-G-A.
Other names: c.766C>T, p.Arg256Trp (NM_001330609.2); short protein forms R404W, R256W.
Identifiers: ClinVar variation 1371119 (VCV001371119.8), dbSNP rs758878691, ClinGen allele CA4873894.
Genomic context (GRCh38, chr8:125,067,660, plus strand): 5'-GTATAAACTCAAATTGTGCAGTATCTAACAGCAGCTGGAAGAGGATCCTGGGATTGTACC[G>A]AGAGTCTGTTAGAATCTGGTCCTTGATTTGACGAAGGCGTTTGTTGTTTGGGTCACAGGC-3'
Protein context (NP_055661.3, residues 394-414): QIKDQILTDS[Arg404Trp]YNPRILFQLL